The following is an entry in ClinVar:

ClinVar aggregate classification (germline): Conflicting classifications of pathogenicity. Review status: criteria provided, conflicting classifications (1 of 4 stars). 5 submissions from 5 submitters: Uncertain significance (4); Likely benign (1). Last evaluated 2025-10-28.

Allele frequency attached by ClinVar (database versions not stated): gnomAD exomes 0.00002; ExAC 0.00004; TOPMed below 0.00001.
gnomAD v4.1: 7 of 1,614,012 alleles (0.00043%); highest among the groups gnomAD compares: Admixed American, 0.012%; no homozygotes.

Submissions (5):

Quest Diagnostics Nichols Institute San Juan Capistrano
Classification: Uncertain significance. Last evaluated: 2025-10-28. Review status: criteria provided, single submitter. Criteria: Quest Diagnostics criteria. Collection method: clinical testing. Allele origin: unknown.
Comment: The HBB c.359G>A (p.Gly120Asp) variant (also known as Hb Fannin-Lubbock I) has been reported in the published literature as a slightly unstable hemoglobin variant with normal oxygen affinity (PMIDs: 19958195 (2009), 11829 (1976), 11828 (1976)). Heterozygosity for the Hb Fannin-Lubbock I variant is associated with a normal clinical presentation (PMIDs: 37782073 (2023), 24802353 (2014), 11829 (1976)). However, this variant was found in a homozygous infant that showed a mild Heinz body hemolytic anemia (PMID: 19958195 (2009)). When a second variant is found on the same chromosome, this complex allele is known as Hb Fannin-Lubbock II (PMIDs: 7852084 (1994), 17915134 (2007)). The frequency of this variant in the general population (Genome Aggregation Database) is uninformative in the assessment of its pathogenicity. Based on the available information, we are unable to determine the clinical significance of this variant.

ARUP Laboratories, Molecular Genetics and Genomics, ARUP Laboratories
Classification: Likely benign. Last evaluated: 2025-04-28. Review status: criteria provided, single submitter. Criteria: ARUP Molecular Germline Variant Investigation Process 2024. Collection method: clinical testing. Allele origin: germline.
Comment: The Hb Fannin-Lubbock I variant (HBB: c.359G>A; p.Gly120Asp, also known as Gly119Asp when numbered from the mature protein; rs33947020; ClinVar Variation ID: 242712; HbVarID: 699) has been reported as a homozygote in an individual with mild anemia and Heinz bodies and was considered slightly unstable (Ibarra 2009). However, this variant has also been described in the heterozygous state in multiple individuals with normal hematology, it does not segregate with abnormal hematological values in families, and it has not been associated with significant clinical symptoms when found with Hb S (Basak 2014, Moo-Penn 1976, Welsh 2015, HbVar database and references therein). Functional analyses indicate normal oxygen binding and reaction with 2,3-bisphosphoglycerate (Moo-Penn 1976). This variant is found in the Latino population with an allele frequency of 0.017% (6/34586 alleles) in the Genome Aggregation Database (v2.1.1). Computational analyses are uncertain whether this variant is neutral or deleterious (REVEL: 0.63). Based on the above information, the variant is considered likely benign. References: Link to HbVar: Basak J et al. Fannin-Lubbock-I (alpha2beta2 119(GLY>ASP)), a rare mutation in the beta-globin gene, has been detected for the first time in a Hindu Brahmin family in West Bengal, India. Cell Mol Biol Lett. 2014 Jun;19(2):277-83. PMID: 24802353. Moo-Penn WF et al. Hemoglobin Fannin-Lubbock (alpha2 beta 2 119 (GH2) Gly replaced by Asp). A new hemoglobin variant at the alpha1 beta 1 contact. Biochim Biophys Acta. 1976 Dec 22;453(2):472-7. PMID: 11828. Ibarra B et al. HB Fannin-Lubbock-I with a single GGC>GAC mutation at beta119(GH2)Gly-->Asp in a homozygous Mexican patient. Hemoglobin. 2009;33(6):492-7. PMID: 19958195. Welsh KJ et al. An unusual case of heterozygous hemoglobin S/hemoglobin Fannin-Lubbock misidentified by capillary hemoglobin electrophoresis. Ann Clin Lab Sci. 2015 Spring;45(2):199-201. PMID: 25887875.

Women's Health and Genetics/Laboratory Corporation of America, LabCorp
Classification: Uncertain significance. Last evaluated: 2024-04-02. Review status: criteria provided, single submitter. Criteria: LabCorp Variant Classification Summary - May 2015. Collection method: clinical testing. Allele origin: germline.
Comment: Variant summary: HBB c.359G>A (p.Gly120Asp) results in a non-conservative amino acid change in the encoded protein sequence. Three of five in-silico tools predict a damaging effect of the variant on protein function. The variant allele was found at a frequency of 2.4e-05 in 251278 control chromosomes. The available data on variant occurrences in the general population are insufficient to allow any conclusion about variant significance. This variant has been reported in multiple patients with mild anemia or no hemological abnormalities in heterozygous or homozygous state without clear evidence supporting the pathogenicity of this variant (Schneider_1976, Ibarra_2009, Basak_2014). Heterozygous complex allele c.334G>C-c.359G>A has been reported in five Spanish individuals with no hemological abnormalities (Qin_1994). Experimental evidence has shown this variant to be a slightly unstable hemoglobin variant, with normal oxygen affinity (eg. Schneider_1976). The following publications have been ascertained in the context of this evaluation (PMID: 6859036, 19429541, 7852084, 24802353, 19958195, 11829, 20184100). ClinVar contains an entry for this variant (Variation ID: 242712). Based on the evidence outlined above, the variant was classified as uncertain significance.

Revvity Omics, Revvity
Classification: Uncertain significance. Last evaluated: 2023-06-27. Review status: criteria provided, single submitter. Criteria: ACMG Guidelines, 2015. Collection method: clinical testing. Allele origin: germline.

GeneDx
Classification: Uncertain significance. Last evaluated: 2021-03-10. Review status: criteria provided, single submitter. Criteria: GeneDx Variant Classification Process June 2021. Collection method: clinical testing. Allele origin: germline. Affected: yes.
Comment: Reported in multiple individuals with mild anemia or normal clinical and hematological parameters (Schneider et al., 1976; Basak et al., 2014; Kutlar et al., 2014); In silico analysis supports that this missense variant has a deleterious effect on protein structure/function; This variant is associated with the following publications: (PMID: 24471829, 11829, 31553106, 24802353, 19429541, 33054450)

Literature cited by the submitters: PubMed 34060411 (cited by Quest Diagnostics Nichols Institute San Juan Capistrano); PubMed 37782073 (cited by Quest Diagnostics Nichols Institute San Juan Capistrano); PubMed 17915134 (cited by Quest Diagnostics Nichols Institute San Juan Capistrano); PubMed 24802353 (cited by Quest Diagnostics Nichols Institute San Juan Capistrano and Women's Health and Genetics/Laboratory Corporation of America, LabCorp); PubMed 7852084 (cited by Quest Diagnostics Nichols Institute San Juan Capistrano and Women's Health and Genetics/Laboratory Corporation of America, LabCorp); PubMed 6859036 (cited by Quest Diagnostics Nichols Institute San Juan Capistrano and Women's Health and Genetics/Laboratory Corporation of America, LabCorp); PubMed 20184100 (cited by Quest Diagnostics Nichols Institute San Juan Capistrano and Women's Health and Genetics/Laboratory Corporation of America, LabCorp); PubMed 19429541 (cited by Quest Diagnostics Nichols Institute San Juan Capistrano and Women's Health and Genetics/Laboratory Corporation of America, LabCorp); PubMed 11829 (cited by Quest Diagnostics Nichols Institute San Juan Capistrano and Women's Health and Genetics/Laboratory Corporation of America, LabCorp); PubMed 19958195 (cited by Quest Diagnostics Nichols Institute San Juan Capistrano and Women's Health and Genetics/Laboratory Corporation of America, LabCorp); PubMed 11828 (cited by Quest Diagnostics Nichols Institute San Juan Capistrano); PubMed 24471829 (cited by Quest Diagnostics Nichols Institute San Juan Capistrano); PubMed 38504512 (cited by Quest Diagnostics Nichols Institute San Juan Capistrano); PubMed 31553106 (cited by Quest Diagnostics Nichols Institute San Juan Capistrano); PubMed 27032675 (cited by Quest Diagnostics Nichols Institute San Juan Capistrano).

NM_000518.5(HBB):c.359G>A (p.Gly120Asp)

Genes: HBB (hemoglobin subunit beta; minus strand), LOC107133510 (origin of replication at HBB; plus strand), LOC110006319 (beta-globin gene 3' regulatory region; plus strand). Cytogenetic location: 11p15.4.
Variant type: single nucleotide variant.
Coding change: c.359G>A on transcript NM_000518.5 (MANE Select); coding-DNA position 359, G replaced by A.
Protein change: p.Gly120Asp; replaces glycine 120 with aspartic acid.
Molecular consequence: missense variant.
Genome position (GRCh38, 1-based): chr11:5,225,683, C>T on the plus strand (G>A on the coding strand, the complement: HBB is on the minus strand). VCF-style: chr11-5225683-C-T. GRCh37 (hg19) VCF-style: chr11-5246913-C-T.
Other names: G119D; short protein forms G120D.
Identifiers: ClinVar variation 242712 (VCV000242712.23), dbSNP rs33947020, ClinGen allele CA037352.